The following is an entry in ClinVar:

NM_004958.4(MTOR):c.3925G>A (p.Ala1309Thr)

Gene: MTOR (mechanistic target of rapamycin kinase; minus strand). Cytogenetic location: 1p36.22.
Variant type: single nucleotide variant.
Coding change: c.3925G>A on transcript NM_004958.4 (MANE Select); coding-DNA position 3925, G replaced by A.
Protein change: p.Ala1309Thr; replaces alanine 1309 with threonine.
Molecular consequence: missense variant.
Genome position (GRCh38, 1-based): chr1:11,204,580, C>T on the plus strand (G>A on the coding strand, the complement: MTOR is on the minus strand). VCF-style: chr1-11204580-C-T. GRCh37 (hg19) VCF-style: chr1-11264637-C-T.
Other names: c.3925G>A, p.Ala1309Thr (NM_001386500.1); c.2677G>A, p.Ala893Thr (NM_001386501.1); short protein forms A1309T, A893T.
Identifiers: ClinVar variation 3619260 (VCV003619260.2).
Genomic context (GRCh38, chr1:11,204,580, plus strand): 5'-TCTATGTGCTGATCTTCTCCACCCGCCCTGACACACTATACCTGGCCATCGGGTTGTAGG[C>T]CTGTGCCAGGGCCCAGCAGGAGCGCAGGGAGGGCGATGATGAGTCCTTCAGCAGCTCCAG-3'
Protein context (NP_004949.1, residues 1299-1319): SLRSCWALAQ[Ala1309Thr]YNPMARDLFN

ClinVar aggregate classification (germline): Uncertain significance (1 of 4 stars; one submission).

gnomAD v4.1: 5 of 1,614,166 alleles (0.00031%); highest among the groups gnomAD compares: South Asian, 0.0011%; no homozygotes.

Submission:

Labcorp Genetics (formerly Invitae), Labcorp
Classification: Uncertain significance. Last evaluated: 2024-11-18. Review status: criteria provided, single submitter. Criteria: Invitae Variant Classification Sherloc (09022015). Collection method: clinical testing. Allele origin: germline.
Comment: This sequence change replaces alanine, which is neutral and non-polar, with threonine, which is neutral and polar, at codon 1309 of the MTOR protein (p.Ala1309Thr). This variant is not present in population databases (gnomAD no frequency). This variant has not been reported in the literature in individuals affected with MTOR-related conditions. Invitae Evidence Modeling of protein sequence and biophysical properties (such as structural, functional, and spatial information, amino acid conservation, physicochemical variation, residue mobility, and thermodynamic stability) indicates that this missense variant is not expected to disrupt MTOR protein function with a negative predictive value of 95%. In summary, the available evidence is currently insufficient to determine the role of this variant in disease. Therefore, it has been classified as a Variant of Uncertain Significance.